The following is an entry in ClinVar:

ClinVar aggregate classification (germline): Uncertain significance. Review status: criteria provided, multiple submitters, no conflicts (2 of 4 stars). 4 submissions from 4 submitters: Uncertain significance (4). Last evaluated 2023-12-18.

Conditions:
Pitt-Hopkins-like syndrome 2 (PTHSL2). Identifiers: Orphanet 221150, Orphanet 600663, MedGen C3280479, MONDO:0013690, OMIM 614325.
Inborn genetic diseases. Identifiers: MedGen C0950123, MeSH D030342.

Allele frequency attached by ClinVar (database versions not stated): ExAC below 0.00001; gnomAD 0.00001; TOPMed 0.00001.
gnomAD v4.1: 10 of 1,495,404 alleles (0.00067%); highest among the groups gnomAD compares: Non-Finnish European, 0.00089%; no homozygotes.

Submissions (4):

ARUP Laboratories, Molecular Genetics and Genomics, ARUP Laboratories
Classification: Uncertain significance. Last evaluated: 2023-12-18. Review status: criteria provided, single submitter. Criteria: ARUP Molecular Germline Variant Investigation Process 2024. Collection method: clinical testing. Allele origin: germline.

Ambry Genetics
Classification: Uncertain significance for Inborn genetic diseases. Last evaluated: 2023-04-26. Review status: criteria provided, single submitter. Criteria: Ambry Variant Classification Scheme 2023. Collection method: clinical testing. Allele origin: germline.
Comment: The c.76G>C (p.E26Q) alteration is located in exon 2 (coding exon 1) of the NRXN1 gene. This alteration results from a G to C substitution at nucleotide position 76, causing the glutamic acid (E) at amino acid position 26 to be replaced by a glutamine (Q). Based on data from gnomAD, the C allele has an overall frequency of 0.0007% (1/152184) total alleles studied. The highest observed frequency was 0.001% (1/68030) of European (non-Finnish) alleles. This amino acid position is well conserved in available vertebrate species. This alteration is predicted to be tolerated by in silico analysis. Based on insufficient or conflicting evidence, the clinical significance of this alteration remains unclear.

Labcorp Genetics (formerly Invitae), Labcorp
Classification: Uncertain significance for Pitt-Hopkins-like syndrome 2. Last evaluated: 2022-06-17. Review status: criteria provided, single submitter. Criteria: Invitae Variant Classification Sherloc (09022015). Collection method: clinical testing. Allele origin: germline.
Comment: This sequence change replaces glutamic acid, which is acidic and polar, with glutamine, which is neutral and polar, at codon 26 of the NRXN1 protein (p.Glu26Gln). This variant is not present in population databases (gnomAD no frequency). This variant has not been reported in the literature in individuals affected with NRXN1-related conditions. ClinVar contains an entry for this variant (Variation ID: 432495). Algorithms developed to predict the effect of missense changes on protein structure and function (SIFT, PolyPhen-2, Align-GVGD) all suggest that this variant is likely to be tolerated. In summary, the available evidence is currently insufficient to determine the role of this variant in disease. Therefore, it has been classified as a Variant of Uncertain Significance.

GeneDx
Classification: Uncertain significance. Last evaluated: 2017-06-06. Review status: criteria provided, single submitter. Criteria: GeneDx Variant Classification (06012015). Collection method: clinical testing. Allele origin: germline. Affected: yes.
Comment: A variant of uncertain significance has been identified in the NRXN1 gene. The E26Q variant has not been published as a pathogenic variant, nor has it been reported as a benign variant to our knowledge. The E26Q variant is not observed in large population cohorts (Lek et al., 2016; 1000 Genomes Consortium et al., 2015; Exome Variant Server). The E26Q variant is a semi-conservative amino acid substitution, which may impact secondary protein structure as these residues differ in some properties. This substitution occurs at a position that is conserved in mammals. However, in silico analysis is inconsistent in its predictions as to whether or not the variant is damaging to the protein structure/function. Therefore, based on the currently available information, it is unclear whether this variant is a pathogenic variant or a rare benign variant.

NM_001330078.2(NRXN1):c.76G>C (p.Glu26Gln)

Gene: NRXN1 (neurexin 1; minus strand). Cytogenetic location: 2p16.3.
Variant type: single nucleotide variant.
Coding change: c.76G>C on transcript NM_001330078.2 (MANE Select); coding-DNA position 76, G replaced by C.
Protein change: p.Glu26Gln; replaces glutamic acid 26 with glutamine.
Molecular consequence: missense variant.
Genome position (GRCh38, 1-based): chr2:51,028,198, C>G on the plus strand (G>C on the coding strand, the complement: NRXN1 is on the minus strand). VCF-style: chr2-51028198-C-G. GRCh37 (hg19) VCF-style: chr2-51255336-C-G.
Other names: c.76G>C, p.Glu26Gln (NM_001135659.3, NM_001330077.2, NM_001330079.2 and 15 more transcripts); short protein forms E26Q.
Identifiers: ClinVar variation 432495 (VCV000432495.10), dbSNP rs201847846, ClinGen allele CA1655564.